The following is an entry in ClinVar:

NM_152327.5(AK7):c.364A>C (p.Ser122Arg)

Gene: AK7 (adenylate kinase 7; plus strand). Cytogenetic location: 14q32.2.
Variant type: single nucleotide variant.
Coding change: c.364A>C on transcript NM_152327.5 (MANE Select); coding-DNA position 364, A replaced by C.
Protein change: p.Ser122Arg; replaces serine 122 with arginine.
Molecular consequence: missense variant.
Genome position (GRCh38, 1-based): chr14:96,404,826, A>C. VCF-style: chr14-96404826-A-C. GRCh37 (hg19) VCF-style: chr14-96871163-A-C.
Other names: c.364A>C (NM_152327.2); c.364A>C, p.Ser122Arg (NM_001350888.2, NM_001350890.2, NM_001350891.2 and 1 more transcripts); short protein forms S122R.
Identifiers: ClinVar variation 1944088 (VCV001944088.6), dbSNP rs1279717471, ClinGen allele CA390916152.

ClinVar aggregate classification (germline): Uncertain significance. Review status: criteria provided, multiple submitters, no conflicts (2 of 4 stars). 2 submissions from 2 submitters: Uncertain significance (2). Last evaluated 2024-11-23.

Allele frequency attached by ClinVar (database versions not stated): gnomAD exomes below 0.00001; gnomAD 0.00001; TOPMed 0.00002.
gnomAD v4.1: 5 of 1,610,272 alleles (0.00031%); highest among the groups gnomAD compares: East Asian, 0.0022%; no homozygotes.

Submissions (2):

Ambry Genetics
Classification: Uncertain significance. Last evaluated: 2024-11-23. Review status: criteria provided, single submitter. Criteria: Ambry Variant Classification Scheme 2023. Collection method: clinical testing. Allele origin: germline.

Labcorp Genetics (formerly Invitae), Labcorp
Classification: Uncertain significance. Last evaluated: 2022-10-24. Review status: criteria provided, single submitter. Criteria: Invitae Variant Classification Sherloc (09022015). Collection method: clinical testing. Allele origin: germline.
Comment: This variant has not been reported in the literature in individuals affected with AK7-related conditions. This variant is not present in population databases (gnomAD no frequency). This sequence change replaces serine, which is neutral and polar, with arginine, which is basic and polar, at codon 122 of the AK7 protein (p.Ser122Arg). Advanced modeling of protein sequence and biophysical properties (such as structural, functional, and spatial information, amino acid conservation, physicochemical variation, residue mobility, and thermodynamic stability) performed at Invitae indicates that this missense variant is not expected to disrupt AK7 protein function. In summary, the available evidence is currently insufficient to determine the role of this variant in disease. Therefore, it has been classified as a Variant of Uncertain Significance.